The following is an entry in ClinVar:

ClinVar aggregate classification (germline): Uncertain significance (1 of 4 stars; one submission).

Allele frequency attached by ClinVar (database versions not stated): gnomAD exomes below 0.00001; ExAC 0.00001.
gnomAD v4.1: 1 of 1,613,588 alleles (0.000062%); highest among the groups gnomAD compares: South Asian, 0.0011%; no homozygotes.

Submission:

Ambry Genetics
Classification: Uncertain significance. Last evaluated: 2022-03-11. Review status: criteria provided, single submitter. Criteria: Ambry Variant Classification Scheme 2023. Collection method: clinical testing. Allele origin: germline.
Comment: The p.C1078S variant (also known as c.3233G>C), located in coding exon 16 of the POLQ gene, results from a G to C substitution at nucleotide position 3233. The cysteine at codon 1078 is replaced by serine, an amino acid with dissimilar properties. This amino acid position is conserved. In addition, this alteration is predicted to be tolerated by in silico analysis. Since supporting evidence is limited at this time, the clinical significance of this alteration remains unclear.

NM_199420.4(POLQ):c.3233G>C (p.Cys1078Ser)

Gene: POLQ (DNA polymerase theta; minus strand). Cytogenetic location: 3q13.33.
Variant type: single nucleotide variant.
Coding change: c.3233G>C on transcript NM_199420.4 (MANE Select); coding-DNA position 3233, G replaced by C.
Protein change: p.Cys1078Ser; replaces cysteine 1078 with serine.
Molecular consequence: missense variant.
Genome position (GRCh38, 1-based): chr3:121,489,698, C>G on the plus strand (G>C on the coding strand, the complement: POLQ is on the minus strand). VCF-style: chr3-121489698-C-G. GRCh37 (hg19) VCF-style: chr3-121208545-C-G.
Other names: short protein forms C1078S.
Identifiers: ClinVar variation 1729215 (VCV001729215.2), dbSNP rs766157092, ClinGen allele CA2563096.